The following is an entry in ClinVar:

GRCh38/hg38 1q21.2(chr1:147756263-147836927)x3

Genes: GJA5 (gap junction protein alpha 5; minus strand), LOC121725053 (Sharpr-MPRA regulatory region 879; plus strand), LOC122128420 (Sharpr-MPRA regulatory region 3144; plus strand). Cytogenetic location: 1q21.2.
Variant type: copy number gain.
Change: copy number 3 (three copies instead of two) of chr1:147,756,263-147,836,927 (80.7 kb, GRCh38 coordinates, 1-based), cytogenetic band 1q21.2.
Identifiers: ClinVar variation 150260 (VCV000150260.2).

ClinVar aggregate classification (germline): conflicting data from submitters (0 of 4 stars; one submission).

Submission:

ISCA site 4
Classification: conflicting data from submitters. Last evaluated: 2012-09-21. Review status: no assertion criteria provided. Collection method: clinical testing. Allele origin: unknown. Affected: yes. Observed: 2 variant alleles.
Comment: Uncertain significance(1), Likely benign (1)

Copy number variation identified through the course of routine clinical cytogenomic testing in postnatal populations, with clinical assertions as classified by the original submitter.